The following is an entry in ClinVar:

ClinVar aggregate classification (germline): Uncertain significance (1 of 4 stars; one submission).

Conditions:
Dyskeratosis congenita, autosomal recessive 5 (DKCB5). Identifiers: MedGen C3554656, MONDO:0014076, OMIM 615190.
Pulmonary fibrosis and/or bone marrow failure, Telomere-related, 3. Also called: PULMONARY FIBROSIS AND/OR BONE MARROW FAILURE SYNDROME, TELOMERE-RELATED, 3. Identifiers: Orphanet 2032, MedGen C4225346, MONDO:0014613, OMIM 616373.

Submission:

Labcorp Genetics (formerly Invitae), Labcorp
Classification: Uncertain significance for Dyskeratosis congenita, autosomal recessive 5; Pulmonary fibrosis and/or bone marrow failure, Telomere-related, 3. Last evaluated: 2025-11-26. Review status: criteria provided, single submitter. Criteria: Invitae Variant Classification Sherloc (09022015). Collection method: clinical testing. Allele origin: germline.
Comment: This sequence change falls in intron 2 of the RTEL1 gene. It does not directly change the encoded amino acid sequence of the RTEL1 protein. It affects a nucleotide within the consensus splice site. This variant is present in population databases (no rsID available, gnomAD 0.003%). This variant has not been reported in the literature in individuals affected with RTEL1-related conditions. Variants that disrupt the consensus splice site are a relatively common cause of aberrant splicing (PMID: 17576681, 9536098). Algorithms developed to predict the effect of sequence changes on RNA splicing suggest that this variant is not likely to affect RNA splicing. In summary, the available evidence is currently insufficient to determine the role of this variant in disease. Therefore, it has been classified as a Variant of Uncertain Significance.

Literature cited by the submitters: PubMed 17576681; PubMed 9536098.

NM_001283009.2(RTEL1):c.102+2_102+5dup

Genes: RTEL1 (regulator of telomere elongation helicase 1; plus strand), RTEL1-TNFRSF6B (RTEL1-TNFRSF6B readthrough (NMD candidate); plus strand). Cytogenetic location: 20q13.33.
Variant type: Duplication.
Coding change: c.102+2_102+5dup on transcript NM_001283009.2 (MANE Select); the canonical splice donor site of the intron after coding-DNA position 102 through 5 bases into the intron after coding-DNA position 102, 4 bases duplicated (TAGA; older notation c.102+2_102+5dupTAGA).
Molecular consequence: splice donor variant. On other transcripts: intron variant (1).
Genome position (GRCh38, 1-based): chr20:63,659,506-63,659,509, TAGA duplicated. VCF-style (leftmost placement, unchanged base first): chr20-63659505-G-GTAGA. GRCh37 (hg19) VCF-style: chr20-62290858-G-GTAGA.
Other names: c.-568+1047_-568+1050dup (NM_001283010.1); c.102+2_102+5dup (NM_032957.5, NM_016434.4).
Identifiers: ClinVar variation 4790349 (VCV004790349.1).